The following is an entry in ClinVar:

ClinVar aggregate classification (germline): Uncertain significance (1 of 4 stars; one submission).

Conditions:
Gastrointestinal stromal tumor. Also called: Gastrointestinal stromal tumor, somatic; Gastrointestinal stroma tumor. Identifiers: Orphanet 44890, MedGen C0238198, MeSH D046152, MONDO:0011719, OMIM 606764, HP:0100723.

Submission:

Labcorp Genetics (formerly Invitae), Labcorp
Classification: Uncertain significance for Gastrointestinal stromal tumor. Last evaluated: 2019-12-11. Review status: criteria provided, single submitter. Criteria: Invitae Variant Classification Sherloc (09022015). Collection method: clinical testing. Allele origin: germline.
Comment: In summary, the available evidence is currently insufficient to determine the role of this variant in disease. Therefore, it has been classified as a Variant of Uncertain Significance. Algorithms developed to predict the effect of sequence changes on RNA splicing suggest that this variant may create or strengthen a splice site, but this prediction has not been confirmed by published transcriptional studies. Algorithms developed to predict the effect of missense changes on protein structure and function (SIFT, PolyPhen-2, Align-GVGD) all suggest that this variant is likely to be tolerated, but these predictions have not been confirmed by published functional studies and their clinical significance is uncertain. This variant has not been reported in the literature in individuals with PDGFRA-related conditions. This variant is not present in population databases (ExAC no frequency). This sequence change replaces aspartic acid with glycine at codon 444 of the PDGFRA protein (p.Asp444Gly). The aspartic acid residue is moderately conserved and there is a moderate physicochemical difference between aspartic acid and glycine.

NM_006206.6(PDGFRA):c.1331A>G (p.Asp444Gly)

Gene: PDGFRA (platelet derived growth factor receptor alpha; plus strand). Cytogenetic location: 4q12.
Variant type: single nucleotide variant.
Coding change: c.1331A>G on transcript NM_006206.6 (MANE Select); coding-DNA position 1331, A replaced by G.
Protein change: p.Asp444Gly; replaces aspartic acid 444 with glycine.
Molecular consequence: missense variant.
Genome position (GRCh38, 1-based): chr4:54,272,487, A>G. VCF-style: chr4-54272487-A-G. GRCh37 (hg19) VCF-style: chr4-55138654-A-G.
Other names: c.1331A>G, p.Asp444Gly (NM_001347827.2, NM_001347829.2); c.1406A>G, p.Asp469Gly (NM_001347828.2); c.1370A>G, p.Asp457Gly (NM_001347830.2); short protein forms D444G, D457G, D469G.
Identifiers: ClinVar variation 849596 (VCV000849596.10), dbSNP rs1723460138, ClinGen allele CA356892318.
Genomic context (GRCh38, chr4:54,272,487, plus strand): 5'-ACCATGGCTCAACTGGGGGACAGACGGTGAGGTGCACAGCTGAAGGCACGCCGCTTCCTG[A>G]TATTGAGTGGATGATATGCAAAGATATTAAGAAGTATGGAAAACAGATGTGTCTTCTTCT-3'
Protein context (NP_006197.1, residues 434-454): RCTAEGTPLP[Asp444Gly]IEWMICKDIK